The following is an entry in ClinVar:

NM_001852.4(COL9A2):c.1543G>C (p.Val515Leu)

Gene: COL9A2 (collagen type IX alpha 2 chain; minus strand). Cytogenetic location: 1p34.2.
Variant type: single nucleotide variant.
Coding change: c.1543G>C on transcript NM_001852.4 (MANE Select); coding-DNA position 1543, G replaced by C.
Protein change: p.Val515Leu; replaces valine 515 with leucine.
Molecular consequence: missense variant.
Genome position (GRCh38, 1-based): chr1:40,303,535, C>G on the plus strand (G>C on the coding strand, the complement: COL9A2 is on the minus strand). VCF-style: chr1-40303535-C-G. GRCh37 (hg19) VCF-style: chr1-40769207-C-G.
Other names: short protein forms V515L.
Identifiers: ClinVar variation 2831043 (VCV002831043.4), dbSNP rs1412315657, ClinGen allele CA339877786.
Genomic context (GRCh38, chr1:40,303,535, plus strand): 5'-ACCCCAGAACAGATCTACCTAGAAGAAGCACCTCCTACCCCGGGGCCCGACTCACCTCCA[C>G]GCCCTGTCTCCCGGGCTGTCCTGGCACGCCTCGGTTCCCGGCCAGTCCTCGAGGGCCGGG-3'
Protein context (NP_001843.1, residues 505-525): GVPGQPGRQG[Val515Leu]EGRDATDQHI

ClinVar aggregate classification (germline): Uncertain significance. Review status: criteria provided, multiple submitters, no conflicts (2 of 4 stars). 2 submissions from 2 submitters: Uncertain significance (2). Last evaluated 2024-05-23.

Conditions:
Stickler syndrome. Identifiers: Orphanet 828, MedGen C0265253, MONDO:0019354.

gnomAD v4.1: 1 of 1,612,788 alleles (0.000062%); highest among the groups gnomAD compares: Non-Finnish European, 0.000085%; no homozygotes.

Submissions (2):

Labcorp Genetics (formerly Invitae), Labcorp
Classification: Uncertain significance. Last evaluated: 2024-05-23. Review status: criteria provided, single submitter. Criteria: Invitae Variant Classification Sherloc (09022015). Collection method: clinical testing. Allele origin: germline.
Comment: This sequence change replaces valine, which is neutral and non-polar, with leucine, which is neutral and non-polar, at codon 515 of the COL9A2 protein (p.Val515Leu). This variant is not present in population databases (gnomAD no frequency). This variant has not been reported in the literature in individuals affected with COL9A2-related conditions. Advanced modeling of protein sequence and biophysical properties (such as structural, functional, and spatial information, amino acid conservation, physicochemical variation, residue mobility, and thermodynamic stability) performed at Invitae indicates that this missense variant is not expected to disrupt COL9A2 protein function with a negative predictive value of 95%. In summary, the available evidence is currently insufficient to determine the role of this variant in disease. Therefore, it has been classified as a Variant of Uncertain Significance.

Department of Pathology and Laboratory Medicine, Sinai Health System
Classification: Uncertain significance for Stickler syndrome. Last evaluated: 2020-07-02. Review status: criteria provided, single submitter. Criteria: ACMG Guidelines, 2015. Collection method: research. Allele origin: germline.